The following is an entry in ClinVar:

ClinVar aggregate classification (germline): Uncertain significance. Review status: criteria provided, single submitter (1 of 4 stars). 2 submissions from 2 submitters: Uncertain significance (1). 1 of the submissions does not count toward it. Last evaluated 2017-01-18.

Conditions:
SERPINA1-related disorder. Also called: SerpinA1-related disorders; SERPINA1-related condition.

Allele frequency attached by ClinVar (database versions not stated): gnomAD exomes below 0.00001 and 0.00001; TOPMed below 0.00001; ExAC 0.00001; gnomAD 0.00001.

Submissions (2):

Eurofins Ntd Llc (ga)
Classification: Uncertain significance. Last evaluated: 2017-01-18. Review status: criteria provided, single submitter. Criteria: EGL Classification Definitions 2015. Collection method: clinical testing. Allele origin: germline. Observed: 1 variant allele, 1 heterozygote.

PreventionGenetics, part of Exact Sciences
Classification: Likely benign for SERPINA1-related condition. Last evaluated: 2023-11-22. Review status: no assertion criteria provided. Collection method: clinical testing. Allele origin: germline. Not counted in ClinVar's aggregate classification.
Comment: This variant is classified as likely benign based on ACMG/AMP sequence variant interpretation guidelines (Richards et al. 2015 PMID: 25741868, with internal and published modifications).

NM_000295.5(SERPINA1):c.646+5_646+6del

Gene: SERPINA1 (serpin family A member 1; minus strand). Cytogenetic location: 14q32.13.
Variant type: Deletion.
Coding change: c.646+5_646+6del on transcript NM_000295.5 (MANE Select); bases 5 to 6 of the intron after coding-DNA position 646, 2 bases deleted (GG; older notation c.646+5_646+6delGG).
Molecular consequence: intron variant.
Genome position (GRCh38, 1-based): chr14:94,382,586-94,382,587, CC deleted on the plus strand (GG on the coding strand, the reverse complement: SERPINA1 is on the minus strand). VCF-style (leftmost placement, unchanged base first): chr14-94382585-ACC-A. GRCh37 (hg19) VCF-style: chr14-94848922-ACC-A.
Other names: c.646+5_646+6delGG (NM_000295.4); c.646+5_646+6del (NM_001002235.3, NM_001127707.2, NM_001127706.2 and 7 more transcripts).
Identifiers: ClinVar variation 500031 (VCV000500031.7), dbSNP rs779432340, ClinGen allele CA7327451.
Genomic context (GRCh38, chr14:94,382,585, plus strand): 5'-ACTGATGGTTTGAGAATATTTTTGCTTGTTTCTATGGGAACAGCTCAGGCTGGTTGAGCA[ACC>A]TTACCTTTAAAGAAGATGTAATTCACCAGAGCAAAAACTGTGTCTCTGTCAAGCTCCTTG-3'